The following is an entry in ClinVar:

ClinVar aggregate classification (germline): Uncertain significance (1 of 4 stars; one submission).

Allele frequency attached by ClinVar (database versions not stated): gnomAD 0.00001.

Submission:

GeneDx
Classification: Uncertain significance. Last evaluated: 2023-11-29. Review status: criteria provided, single submitter. Criteria: GeneDx Variant Classification Process June 2021. Collection method: clinical testing. Allele origin: germline. Affected: yes.
Comment: Not observed in large population cohorts (gnomAD); In silico analysis supports that this missense variant does not alter protein structure/function; Has not been previously published as pathogenic or benign to our knowledge

NM_001374828.1(ARID1B):c.1616A>G (p.Gln539Arg)

Gene: ARID1B (AT-rich interaction domain 1B; plus strand). Cytogenetic location: 6q25.3.
Variant type: single nucleotide variant.
Coding change: c.1616A>G on transcript NM_001374828.1 (MANE Select); coding-DNA position 1616, A replaced by G.
Protein change: p.Gln539Arg; replaces glutamine 539 with arginine.
Molecular consequence: missense variant.
Genome position (GRCh38, 1-based): chr6:156,779,296, A>G. VCF-style: chr6-156779296-A-G. GRCh37 (hg19) VCF-style: chr6-157100430-A-G.
Other names: c.1367A>G (NM_020732.3); c.1616A>G, p.Gln539Arg (NM_001371656.1, NM_001374820.1, NM_017519.3); short protein forms Q539R.
Identifiers: ClinVar variation 3253198 (VCV003253198.1), dbSNP rs1779000507.